The following is an entry in ClinVar:

NM_025137.4(SPG11):c.5121G>T (p.Glu1707Asp)

Gene: SPG11 (SPG11 vesicle trafficking associated, spatacsin; minus strand). Cytogenetic location: 15q21.1.
Variant type: single nucleotide variant.
Coding change: c.5121G>T on transcript NM_025137.4 (MANE Select); coding-DNA position 5121, G replaced by T.
Protein change: p.Glu1707Asp; replaces glutamic acid 1707 with aspartic acid.
Molecular consequence: missense variant.
Genome position (GRCh38, 1-based): chr15:44,585,636, C>A on the plus strand (G>T on the coding strand, the complement: SPG11 is on the minus strand). VCF-style: chr15-44585636-C-A. GRCh37 (hg19) VCF-style: chr15-44877834-C-A.
Other names: c.5121G>T, p.Glu1707Asp (NM_001160227.2); short protein forms E1707D.
Identifiers: ClinVar variation 406519 (VCV000406519.79), dbSNP rs145643238, ClinGen allele CA7534494.

ClinVar aggregate classification (germline): Conflicting classifications of pathogenicity. Review status: criteria provided, conflicting classifications (1 of 4 stars). 19 submissions from 17 submitters: Uncertain significance (11); Likely benign (1). 7 of the submissions do not count toward it. Last evaluated 2026-08-01.

Conditions:
Amyotrophic lateral sclerosis type 5 (ALS5). Also called: AMYOTROPHIC LATERAL SCLEROSIS 5, JUVENILE. Identifiers: Orphanet 300605, MedGen C1865864, MONDO:0011196, OMIM 602099.
Charcot-Marie-Tooth disease axonal type 2X. Also called: CHARCOT-MARIE-TOOTH DISEASE, AXONAL, AUTOSOMAL RECESSIVE, TYPE 2X; CHARCOT-MARIE-TOOTH NEUROPATHY, TYPE 2X. Identifiers: Orphanet 466775, MedGen C5569024, MONDO:0014726, OMIM 616668.
Hereditary spastic paraplegia 11. Also called: Nakamura Osame syndrome; Autosomal recessive hereditary spastic paraplegia, mental impairment, and thin corpus callosum; Spastic paraplegia, mental retardation and thin corpus callosum; Spastic Paraplegia 11; SPASTIC PARAPLEGIA, AUTOSOMAL RECESSIVE, COMPLICATED, WITH THIN CORPUS CALLOSUM; SPASTIC PARAPLEGIA, AUTOSOMAL RECESSIVE, WITH MENTAL IMPAIRMENT AND THIN CORPUS CALLOSUM. Identifiers: Orphanet 2822, MedGen C1858479, MONDO:0011445, OMIM 604360.
Inborn genetic diseases. Identifiers: MedGen C0950123, MeSH D030342.
Intellectual disability. Also called: intellectual disabilities; Intellectual functioning disability; Intellectual developmental disorder. Identifiers: MedGen C3714756, MeSH D008607, MONDO:0001071, HP:0001249.
SPG11-related disorder. Also called: SPG11-related condition.

Allele frequency attached by ClinVar (database versions not stated): 1000 Genomes Project 0.00060; ExAC 0.00065; gnomAD exomes 0.00069; ESP Exome Variant Server 0.00077; 1000 Genomes Project 30x 0.00078; gnomAD 0.00096 and 0.00103; TOPMed 0.00124.
gnomAD v4.1: 1,191 of 1,559,200 alleles (0.076%); highest among the groups gnomAD compares: Admixed American, 0.19%; 2 homozygotes.

Submissions 1 to 12 of 21:

CeGaT Center for Human Genetics Tuebingen
Classification: Uncertain significance. Last evaluated: 2026-08-01. Review status: criteria provided, single submitter. Criteria: CeGaT Center For Human Genetics Tuebingen Variant Classification Criteria Version 2. Collection method: clinical testing. Allele origin: germline. Affected: yes. Observed: 3 variant alleles.
Comment: SPG11: PP3

GeneDx
Classification: Uncertain significance. Last evaluated: 2025-06-10. Review status: criteria provided, single submitter. Criteria: GeneDx Variant Classification Process June 2021. Collection method: clinical testing. Allele origin: germline. Affected: yes.
Comment: Reported previously in an individual with Parkinson disease; however, familial segregation information, in vitro functional studies, and additional clinical information were not included (PMID: 25174650); Reported previously in a patient with blindness; however, no further clinical information was provided and it is unclear if a second variant was present (PMID: 32483926); Alters the last nucleotide of the exon and is predicted to destroy the splice donor site and result in aberrant splicing, although in the absence of functional evidence the actual effect of this sequence change is unknown; This variant is associated with the following publications: (PMID: 32171587, 25174650, Kalia2023[preprint], 32483926)

Mayo Clinic Laboratories, Mayo Clinic
Classification: Uncertain significance. Last evaluated: 2025-05-27. Review status: criteria provided, single submitter. Criteria: ACMG Guidelines, 2015. Collection method: clinical testing. Allele origin: germline. Observed: 8 variant alleles.
Comment: BS1, PP3

Blueprint Genetics
Classification: Uncertain significance. Last evaluated: 2024-10-31. Review status: criteria provided, single submitter. Criteria: ACMG Guidelines, 2015. Collection method: clinical testing. Allele origin: germline.

Women's Health and Genetics/Laboratory Corporation of America, LabCorp
Classification: Likely benign. Last evaluated: 2023-12-15. Review status: criteria provided, single submitter. Criteria: LabCorp Variant Classification Summary - May 2015. Collection method: clinical testing. Allele origin: germline.
Comment: Variant summary: SPG11 c.5121G>T (p.Glu1707Asp) results in a conservative amino acid change in the encoded protein sequence. Four of five in-silico tools predict a damaging effect of the variant on protein function. This variant also falls at the last nucleotide of exon 29, which is part of the consensus splice site for this exon.Several computational tools predict a significant impact on normal splicing: Three predict the variant abolishes the 5' canonical splicing donor site. One predict the variant no significant impact on splicing. However, these predictions have yet to be confirmed by functional studies. The variant allele was found at a frequency of 0.00076 in 1559200 control chromosomes, predominantly at a frequency of 0.0019 within the Latino subpopulation in the gnomAD database, including 1 homozygotes (genomAD, v4). The observed variant frequency within Latino control individuals in the gnomAD database is approximately 2 fold of the estimated maximal expected allele frequency for a pathogenic variant in SPG11 causing Hereditary Spastic Paraplegia, Type 11 phenotype (0.0011), strongly suggesting that the variant is a benign polymorphism found primarily in populations of Latino origin. c.5121G>T has been reported in the literature in individuals affected with Parkinsons disease or blindness, without strong evidence for causality (example, Dineiro_2020, Ghani_2015). These report(s) do not provide unequivocal conclusions about association of the variant with Hereditary Spastic Paraplegia, Type 11. To our knowledge, no experimental evidence demonstrating an impact on protein function has been reported. The following publications have been ascertained in the context of this evaluation (PMID: 32483926, 25174650). Seven submitters have cited clinical-significance assessments for this variant to ClinVar after 2014. All submitters classified the variant as uncertain significance. Based on the evidence outlined above, the variant was classified as likely benign.

Ambry Genetics
Classification: Uncertain significance for Inborn genetic diseases. Last evaluated: 2022-12-08. Review status: criteria provided, single submitter. Criteria: Ambry Variant Classification Scheme 2023. Collection method: clinical testing. Allele origin: germline.
Comment: The c.5121G>T variant (also known as p.E1707D), located in coding exon 29 of the SPG11 gene, results from a G to T substitution at nucleotide position 5121. The glutamic acid at codon 1707 is replaced by aspartic acid, an amino acid with highly similar properties. However, this change occurs in the last base pair of coding exon 29, which makes it likely to have some effect on normal mRNA splicing. The p.E1707D alteration was reported once in a cohort of 192 adult patients with neurodegenerative disorders in a patient with Parkinson's disease who also had a second alteration in the SPG11 gene, although phase of the alterations (cis vs. trans) was not determined (Ghani M, et al. Neurobiol Aging, 2015 Jan;36:545.e9-15). This nucleotide position is highly conserved in available vertebrate species, and this amino acid position is well conserved in available vertebrate species. In silico splice site analysis predicts that this alteration will weaken the native splice donor site; however, direct evidence is unavailable. In addition, as a missense substitution, this alteration is predicted to be tolerated by in silico analysis. Since supporting evidence is limited at this time, the clinical significance of this alteration remains unclear.

Labcorp Genetics (formerly Invitae), Labcorp
Classification: Uncertain significance for Hereditary spastic paraplegia 11. Last evaluated: 2022-09-19. Review status: criteria provided, single submitter. Criteria: Invitae Variant Classification Sherloc (09022015). Collection method: clinical testing. Allele origin: germline.
Comment: This sequence change replaces glutamic acid, which is acidic and polar, with aspartic acid, which is acidic and polar, at codon 1707 of the SPG11 protein (p.Glu1707Asp). This variant also falls at the last nucleotide of exon 29, which is part of the consensus splice site for this exon. This variant is present in population databases (rs145643238, gnomAD 0.1%), and has an allele count higher than expected for a pathogenic variant. This variant has not been reported in the literature in individuals affected with SPG11-related conditions. ClinVar contains an entry for this variant (Variation ID: 406519). Algorithms developed to predict the effect of missense changes on protein structure and function (SIFT, PolyPhen-2, Align-GVGD) all suggest that this variant is likely to be tolerated. Variants that disrupt the consensus splice site are a relatively common cause of aberrant splicing (PMID: 17576681, 9536098). Algorithms developed to predict the effect of sequence changes on RNA splicing suggest that this variant may disrupt the consensus splice site. In summary, the available evidence is currently insufficient to determine the role of this variant in disease. Therefore, it has been classified as a Variant of Uncertain Significance.

Illumina Laboratory Services, Illumina
Classification: Uncertain significance for Hereditary spastic paraplegia 11. Last evaluated: 2017-04-28. Review status: criteria provided, single submitter. Criteria: ICSL Variant Classification Criteria 13 December 2019. Collection method: clinical testing. Allele origin: germline.

Breakthrough Genomics
Classification: Uncertain significance. Review status: criteria provided, single submitter. Criteria: ACMG Guidelines, 2015. Collection method: not provided. Allele origin: germline. Inheritance: Autosomal recessive inheritance. Affected: yes.

Genome-Nilou Lab
Classification: Uncertain significance for Amyotrophic lateral sclerosis type 5. Review status: criteria provided, single submitter. Criteria: ACMG Guidelines, 2015. Collection method: clinical testing. Allele origin: germline.

Genome-Nilou Lab
Classification: Uncertain significance for Charcot-Marie-Tooth disease axonal type 2X. Review status: criteria provided, single submitter. Criteria: ACMG Guidelines, 2015. Collection method: clinical testing. Allele origin: germline.

Genome-Nilou Lab
Classification: Uncertain significance for Hereditary spastic paraplegia 11. Review status: criteria provided, single submitter. Criteria: ACMG Guidelines, 2015. Collection method: clinical testing. Allele origin: germline.